The following is an entry in ClinVar:

NM_006929.5(SKIC2):c.3312dup (p.Pro1105fs)

Gene: SKIC2 (SKI2 subunit of superkiller complex; plus strand). Cytogenetic location: 6p21.33.
Variant type: Duplication.
Coding change: c.3312dup on transcript NM_006929.5 (MANE Select); coding-DNA position 3312, one base duplicated (G; older notation c.3312dupG).
Protein change: p.Pro1105fs; shifts the reading frame from proline 1105.
Molecular consequence: frameshift variant.
Genome position (GRCh38, 1-based): chr6:31,969,002, G duplicated; the last of 2 consecutive G bases (chr6:31,969,001-31,969,002); duplicating either gives the same sequence. VCF-style (leftmost placement, unchanged base first): chr6-31969000-C-CG. GRCh37 (hg19) VCF-style: chr6-31936777-C-CG.
Other names: short protein forms P1105fs.
Identifiers: ClinVar variation 3641269 (VCV003641269.2).

ClinVar aggregate classification (germline): Pathogenic (1 of 4 stars; one submission).

Submission:

Labcorp Genetics (formerly Invitae), Labcorp
Classification: Pathogenic. Last evaluated: 2024-02-16. Review status: criteria provided, single submitter. Criteria: Invitae Variant Classification Sherloc (09022015). Collection method: clinical testing. Allele origin: germline.
Comment: This sequence change creates a premature translational stop signal (p.Pro1105Alafs*2) in the SKIV2L gene. It is expected to result in an absent or disrupted protein product. Loss-of-function variants in SKIV2L are known to be pathogenic (PMID: 22444670). This variant is not present in population databases (gnomAD no frequency). This variant has not been reported in the literature in individuals affected with SKIV2L-related conditions. For these reasons, this variant has been classified as Pathogenic.

Literature cited by the submitters: PubMed 22444670.